The following is an entry in ClinVar:

NM_000440.3(PDE6A):c.285C>A (p.Ser95Arg)

Gene: PDE6A (phosphodiesterase 6A; minus strand). Cytogenetic location: 5q32.
Variant type: single nucleotide variant.
Coding change: c.285C>A on transcript NM_000440.3 (MANE Select); coding-DNA position 285, C replaced by A.
Protein change: p.Ser95Arg; replaces serine 95 with arginine.
Molecular consequence: missense variant.
Genome position (GRCh38, 1-based): chr5:149,944,389, G>T on the plus strand (C>A on the coding strand, the complement: PDE6A is on the minus strand). VCF-style: chr5-149944389-G-T. GRCh37 (hg19) VCF-style: chr5-149323952-G-T.
Other names: c.285C>A, p.Ser95Arg (NM_001410788.1); short protein forms S95R.
Identifiers: ClinVar variation 2910195 (VCV002910195.3), dbSNP rs765008436, ClinGen allele CA361700515.

ClinVar aggregate classification (germline): Uncertain significance (1 of 4 stars; one submission).

Submission:

Labcorp Genetics (formerly Invitae), Labcorp
Classification: Uncertain significance. Last evaluated: 2023-07-24. Review status: criteria provided, single submitter. Criteria: Invitae Variant Classification Sherloc (09022015). Collection method: clinical testing. Allele origin: germline.
Comment: This sequence change replaces serine, which is neutral and polar, with arginine, which is basic and polar, at codon 95 of the PDE6A protein (p.Ser95Arg). This variant is not present in population databases (gnomAD no frequency). This missense change has been observed in individual(s) with retinitis pigmentosa (PMID: 30029497). Advanced modeling of protein sequence and biophysical properties (such as structural, functional, and spatial information, amino acid conservation, physicochemical variation, residue mobility, and thermodynamic stability) performed at Invitae indicates that this missense variant is not expected to disrupt PDE6A protein function. In summary, the available evidence is currently insufficient to determine the role of this variant in disease. Therefore, it has been classified as a Variant of Uncertain Significance.

Literature cited by the submitters: PubMed 30029497.